The following is an entry in ClinVar:

NM_005555.4(KRT6B):c.1047G>T (p.Arg349Ser)

Gene: KRT6B (keratin 6B; minus strand). Cytogenetic location: 12q13.13.
Variant type: single nucleotide variant.
Coding change: c.1047G>T on transcript NM_005555.4 (MANE Select); coding-DNA position 1047, G replaced by T.
Protein change: p.Arg349Ser; replaces arginine 349 with serine.
Molecular consequence: missense variant.
Genome position (GRCh38, 1-based): chr12:52,449,499, C>A on the plus strand (G>T on the coding strand, the complement: KRT6B is on the minus strand). VCF-style: chr12-52449499-C-A. GRCh37 (hg19) VCF-style: chr12-52843283-C-A.
Other names: short protein forms R349S.
Identifiers: ClinVar variation 2889234 (VCV002889234.3), dbSNP rs1373466836, ClinGen allele CA384983944.

ClinVar aggregate classification (germline): Uncertain significance (1 of 4 stars; one submission).

Allele frequency attached by ClinVar (database versions not stated): gnomAD exomes below 0.00001; TOPMed 0.00002; gnomAD 0.00003.
gnomAD v4.1: 10 of 1,614,048 alleles (0.00062%); highest among the groups gnomAD compares: African/African-American, 0.0067%; no homozygotes.

Submission:

Labcorp Genetics (formerly Invitae), Labcorp
Classification: Uncertain significance. Last evaluated: 2023-03-17. Review status: criteria provided, single submitter. Criteria: Invitae Variant Classification Sherloc (09022015). Collection method: clinical testing. Allele origin: germline.
Comment: In summary, the available evidence is currently insufficient to determine the role of this variant in disease. Therefore, it has been classified as a Variant of Uncertain Significance. Advanced modeling of protein sequence and biophysical properties (such as structural, functional, and spatial information, amino acid conservation, physicochemical variation, residue mobility, and thermodynamic stability) performed at Invitae indicates that this missense variant is not expected to disrupt KRT6B protein function. This variant has not been reported in the literature in individuals affected with KRT6B-related conditions. This variant is present in population databases (no rsID available, gnomAD 0.05%). This sequence change replaces arginine, which is basic and polar, with serine, which is neutral and polar, at codon 349 of the KRT6B protein (p.Arg349Ser).